The following is an entry in ClinVar:

NC_012920.1(MT-TN):m.5669G>A

Gene: MT-TN (mitochondrially encoded tRNA asparagine; minus strand).
Variant type: single nucleotide variant.
Genome position: chrM-5669-G-A.
Identifiers: ClinVar variation 689972 (VCV000689972.1), dbSNP rs1603220083, ClinGen allele CA913180181.
Genomic context (GRCh38, chrMT:5,669, plus strand): 5'-TGCATCAACTGAACGCAAATCAGCCACTTTAATTAAGCTAAGCCCTTACTAGACCAATGG[G>A]ACTTAAACCCACAAACACTTAGTTAACAGCTAAGCACCCTAATCAACTGGCTTCAATCTA-3'

ClinVar aggregate classification (germline): Uncertain significance (1 of 4 stars; one submission).

Conditions:
MELAS syndrome (MELAS). Also called: Juvenile myopathy, encephalopathy, lactic acidosis, stroke. Identifiers: Orphanet 550, MedGen C0162671, MONDO:0010789, OMIM 540000.

Submission:

Wong Mito Lab, Molecular and Human Genetics, Baylor College of Medicine
Classification: Uncertain significance for MELAS syndrome. Last evaluated: 2019-07-12. Review status: criteria provided, single submitter. Criteria: Modified ACMG Guidelines (Unpublished). Collection method: clinical testing. Allele origin: germline.
Comment: The NC_012920.1:m.5669G>A variant in MT-TN gene is interpreted to be a Unknown Significance variant based on the modified ACMG guidelines (unpublished). This variant meets the following evidence codes reported in the guidelines: PM7, PP6, PP7

Literature cited by the submitters: PubMed 31965079.